The following is an entry in ClinVar:

NM_003002.4(SDHD):c.412G>A (p.Gly138Arg)

Gene: SDHD (succinate dehydrogenase complex subunit D; plus strand). Cytogenetic location: 11q23.1.
Variant type: single nucleotide variant.
Coding change: c.412G>A on transcript NM_003002.4 (MANE Select); coding-DNA position 412, G replaced by A.
Protein change: p.Gly138Arg; replaces glycine 138 with arginine.
Molecular consequence: missense variant. On other transcripts: 3 prime UTR variant (2), non-coding transcript variant (1).
Genome position (GRCh38, 1-based): chr11:112,094,902, G>A. VCF-style: chr11-112094902-G-A. GRCh37 (hg19) VCF-style: chr11-111965626-G-A.
Other names: c.*9G>A (NM_001276503.2); c.295G>A, p.Gly99Arg (NM_001276504.2); c.*110G>A (NM_001276506.2); short protein forms G138R, G99R.
Identifiers: ClinVar variation 187700 (VCV000187700.19), dbSNP rs786203932, ClinGen allele CA017004.

ClinVar aggregate classification (germline): Pathogenic/Likely pathogenic. Review status: criteria provided, multiple submitters, no conflicts (2 of 4 stars). 3 submissions from 3 submitters: Pathogenic (2); Likely pathogenic (1). Last evaluated 2026-01-13.

Conditions:
Cowden syndrome 3 (CWS3). Identifiers: Orphanet 201, MedGen CN166604, MONDO:0014045.
Carney-Stratakis syndrome. Also called: PARAGANGLIOMA AND GASTROINTESTINAL STROMAL TUMOR. Identifiers: Orphanet 97286, MedGen C1847319, MONDO:0011740, OMIM 606864.
Paragangliomas with sensorineural hearing loss. Identifiers: MedGen C1868633.
Pheochromocytoma. Also called: MAX-Related Hereditary Paraganglioma-Pheochromocytoma Syndrome. Identifiers: Orphanet 29072, MedGen C0031511, MONDO:0008233, OMIM 171300, HP:0002666.
Hereditary cancer-predisposing syndrome. Also called: Tumor predisposition; Hereditary neoplastic syndrome; Neoplastic Syndromes, Hereditary; Hereditary Cancer Syndrome. Identifiers: Orphanet 140162, MedGen C0027672, MeSH D009386, MONDO:0015356.

Submissions (3):

Labcorp Genetics (formerly Invitae), Labcorp
Classification: Pathogenic for Carney-Stratakis syndrome; Paragangliomas with sensorineural hearing loss; Pheochromocytoma; Cowden syndrome 3. Last evaluated: 2026-01-13. Review status: criteria provided, single submitter. Criteria: Invitae Variant Classification Sherloc (09022015). Collection method: clinical testing. Allele origin: germline.
Comment: This sequence change replaces glycine, which is neutral and non-polar, with arginine, which is basic and polar, at codon 138 of the SDHD protein (p.Gly138Arg). This variant is not present in population databases (gnomAD no frequency). This missense change has been observed in individuals with paraganglioma-pheochromocytoma syndrome (PMID: 29875428, 31492822; internal data). ClinVar contains an entry for this variant (Variation ID: 187700). Invitae Evidence Modeling of protein sequence and biophysical properties (such as structural, functional, and spatial information, amino acid conservation, physicochemical variation, residue mobility, and thermodynamic stability) indicates that this missense variant is expected to disrupt SDHD protein function with a positive predictive value of 95%. For these reasons, this variant has been classified as Pathogenic.

Ambry Genetics
Classification: Pathogenic for Hereditary cancer-predisposing syndrome. Last evaluated: 2025-12-17. Review status: criteria provided, single submitter. Criteria: Ambry Variant Classification Scheme 2023. Collection method: clinical testing. Allele origin: germline.
Comment: The p.G138R pathogenic mutation (also known as c.412G>A), located in coding exon 4 of the SDHD gene, results from a G to A substitution at nucleotide position 412. The glycine at codon 138 is replaced by arginine, an amino acid with dissimilar properties. This variant was reported in individual(s) with features consistent with SDHD-related hereditary pheochromocytoma-paraganglioma (Ambry internal data; Yonamine M et al. Cancers (Basel) 2021 Aug;13(16); Turner SA et al. Genet Med 2019 Feb;21(2):426-430). Based on internal structure analysis, this alteration is predicted to destabilize the SDHD-SDHC protein-protein interface (Sun F et al. Cell. 2005 Jul; 121(7):1043-57). This amino acid position is highly conserved in available vertebrate species. In addition, this alteration is predicted to be deleterious by in silico analysis. This variant is considered to be rare based on population cohorts in the Genome Aggregation Database (gnomAD). Based on the supporting evidence, this variant is interpreted as a disease-causing mutation.

GeneDx
Classification: Likely pathogenic. Last evaluated: 2016-10-31. Review status: criteria provided, single submitter. Criteria: GeneDx Variant Classification (06012015). Collection method: clinical testing. Allele origin: germline. Affected: yes.
Comment: This variant is denoted SDHD c.412G>A at the cDNA level, p.Gly138Arg (G138R) at the protein level, and results in the change of a Glycine to an Arginine (GGG>AGG). This variant has not, to our knowledge, been published in the literature as pathogenic or benign. SDHD Gly138Arg was not observed in approximately 6,500 individuals of European and African American ancestry in the NHLBI Exome Sequencing Project, suggesting it is not a common benign variant in these populations. Since Glycine and Arginine differ in polarity, charge, size or other properties, this is considered a non-conservative amino acid substitution. SDHD Gly138Arg occurs at a position that is conserved across species and is located in the helical transmembrane region (UniProt). In silico analyses predict that this variant is probably damaging to protein structure and function. Based on the currently available evidence, we consider SDHD Gly138Arg to be a likely pathogenic variant.

Literature cited by the submitters: PubMed 29875428 (cited by Labcorp Genetics (formerly Invitae), Labcorp and Ambry Genetics); PubMed 31492822 (cited by Labcorp Genetics (formerly Invitae), Labcorp); PubMed 15989954 (cited by Ambry Genetics); PubMed 34439168 (cited by Ambry Genetics).